The following is an entry in ClinVar:

ClinVar aggregate classification (germline): Conflicting classifications of pathogenicity. Review status: criteria provided, conflicting classifications (1 of 4 stars). 10 submissions from 10 submitters: Uncertain significance (6); Likely benign (3). 1 of the submissions does not count toward it. Last evaluated 2026-01-05.

Conditions:
PALB2-related disorder. Also called: PALB2-related disorders; PALB2-related condition.
Fanconi anemia complementation group N. Also called: PALB2-Related Fanconi Anemia. Identifiers: Orphanet 84, MedGen C1835817, MONDO:0012565, OMIM 610832. Disease mechanism: loss of function.
Pancreatic cancer, susceptibility to, 3. Identifiers: Orphanet 1333, MedGen C3150547, MONDO:0013236, OMIM 613348.
Breast-ovarian cancer, familial, susceptibility to, 5 (BROVCA5). Identifiers: MedGen C5830615, MONDO:0957530, OMIM 620442.
Hereditary cancer-predisposing syndrome. Also called: Tumor predisposition; Hereditary neoplastic syndrome; Neoplastic Syndromes, Hereditary; Hereditary Cancer Syndrome. Identifiers: Orphanet 140162, MedGen C0027672, MeSH D009386, MONDO:0015356.
Familial cancer of breast. Also called: hereditary breast carcinoma; Hereditary breast cancer; BREAST CANCER, FAMILIAL. Identifiers: Orphanet 227535, MedGen C0346153, MONDO:0016419, OMIM 114480. Disease mechanism: loss of function.

Allele frequency attached by ClinVar (database versions not stated): ExAC 0.00001; gnomAD 0.00001; gnomAD exomes 0.00001; TOPMed 0.00002.

Submissions (10):

Labcorp Genetics (formerly Invitae), Labcorp
Classification: Uncertain significance for Familial cancer of breast. Last evaluated: 2026-01-05. Review status: criteria provided, single submitter. Criteria: Invitae Variant Classification Sherloc (09022015). Collection method: clinical testing. Allele origin: germline.
Comment: This sequence change replaces glycine, which is neutral and non-polar, with serine, which is neutral and polar, at codon 257 of the PALB2 protein (p.Gly257Ser). This variant is present in population databases (rs587780824, gnomAD 0.006%). This variant has not been reported in the literature in individuals affected with PALB2-related conditions. ClinVar contains an entry for this variant (Variation ID: 136139). An algorithm developed to predict the effect of missense changes on protein structure and function outputs the following: PolyPhen-2: "Benign". The serine amino acid residue is found in multiple mammalian species, which suggests that this missense change does not adversely affect protein function. In summary, the available evidence is currently insufficient to determine the role of this variant in disease. Therefore, it has been classified as a Variant of Uncertain Significance.

Color Diagnostics, LLC DBA Color Health
Classification: Uncertain significance for Hereditary cancer-predisposing syndrome. Last evaluated: 2025-03-31. Review status: criteria provided, single submitter. Criteria: ACMG Guidelines, 2015. Collection method: clinical testing. Allele origin: germline.
Comment: This missense variant replaces glycine with serine at codon 257 of the PALB2 protein. Computational prediction suggests that this variant may not impact protein structure and function. To our knowledge, functional studies have not been reported for this variant. This variant has not been reported in individuals affected with PALB2-related disorders in the literature but has been observed in 2 control individuals in a breast cancer case-control study (PMID: 33471991; Leiden Open Variation Database DB-ID PALB2_011123). This variant has been identified in 3/251384 chromosomes in the general population by the Genome Aggregation Database (gnomAD). The available evidence is insufficient to determine the role of this variant in disease conclusively. Therefore, this variant is classified as a Variant of Uncertain Significance.

Myriad Genetics, Inc.
Classification: Likely benign for Familial cancer of breast. Last evaluated: 2025-01-10. Review status: criteria provided, single submitter. Criteria: Myriad Autosomal Dominant, Autosomal Recessive and X-Linked Classification Criteria (2023). Collection method: clinical testing. Allele origin: unknown.
Comment: This variant is considered likely benign. This variant is strongly associated with less severe personal and family histories of cancer, typical for individuals without pathogenic variants in this gene [PMID: 25085752].

Department of Pathology and Laboratory Medicine, Sinai Health System
Classification: Uncertain significance for Fanconi anemia complementation group N; Pancreatic cancer, susceptibility to, 3; Breast-ovarian cancer, familial, susceptibility to, 5. Last evaluated: 2024-11-18. Review status: criteria provided, single submitter. Criteria: ACMG Guidelines, 2015. Collection method: clinical testing. Allele origin: germline.

GeneDx
Classification: Uncertain significance. Last evaluated: 2024-02-21. Review status: criteria provided, single submitter. Criteria: GeneDx Variant Classification Process June 2021. Collection method: clinical testing. Allele origin: germline. Affected: yes.
Comment: Not observed at significant frequency in large population cohorts (gnomAD); In silico analysis supports that this missense variant does not alter protein structure/function; Reported in 0/60,466 breast cancer cases and in 2/53,461 controls (PMID: 33471991); This variant is associated with the following publications: (PMID: 29641532, 19369211, 33471991)

KCCC/NGS Laboratory, Kuwait Cancer Control Center
Classification: Uncertain significance for Breast-ovarian cancer, familial, susceptibility to, 5. Last evaluated: 2024-01-31. Review status: criteria provided, single submitter. Criteria: ACMG Guidelines, 2015. Collection method: clinical testing. Allele origin: germline. Inheritance: Autosomal dominant inheritance. Affected: yes. Observed: 1 heterozygote.
Comment: This sequence change replaces glycine, which is neutral and non-polar, with serine, which is neutral and polar, at codon 257 of the PALB2 protein (p.Gly257Ser). This variant is present in population databases (rs587780824, gnomAD 0.006%). This variant has been reported in a breast cancer case-control meta-analysis in 0/60466 cases and 2/53459 unaffected individuals (PMID: 33471991; Leiden Open Variation Database DB-ID PALB2_011123). . ClinVar contains an entry for this variant (Variation ID: 136139). Computational prediction suggests that this variant may not impact protein structure and function .Functional studies have not been performed for this variant yet. In summary, the available evidence is currently insufficient to determine the role of this variant in disease. Therefore, it has been classified as a Variant of Uncertain Significance. Pathogenic/likely pathogenic mutations in the PALB2 gene cause susceptibility to breast cancer (OMIM# 114480).

Women's Health and Genetics/Laboratory Corporation of America, LabCorp
Classification: Uncertain significance. Last evaluated: 2023-03-02. Review status: criteria provided, single submitter. Criteria: LabCorp Variant Classification Summary - May 2015. Collection method: clinical testing. Allele origin: germline.

Blueprint Genetics
Classification: Likely benign. Last evaluated: 2022-09-02. Review status: criteria provided, single submitter. Criteria: ACMG Guidelines, 2015. Collection method: clinical testing. Allele origin: germline.

Ambry Genetics
Classification: Likely benign for Hereditary cancer-predisposing syndrome. Last evaluated: 2019-02-22. Review status: criteria provided, single submitter. Criteria: Ambry Variant Classification Scheme 2023. Collection method: clinical testing. Allele origin: germline.

PreventionGenetics, part of Exact Sciences
Classification: Uncertain significance for PALB2-related condition. Last evaluated: 2024-01-30. Review status: no assertion criteria provided. Collection method: clinical testing. Allele origin: germline. Not counted in ClinVar's aggregate classification.
Comment: The PALB2 c.769G>A variant is predicted to result in the amino acid substitution p.Gly257Ser. To our knowledge, this variant has not been reported in the literature. This variant is reported in 0.0058% of alleles in individuals of Latino descent in gnomAD and has conflicting interpretations regarding its pathogenicity in ClinVar, ranging from likely benign to a variant of uncertain significance. At this time, the clinical significance of this variant is uncertain due to the absence of conclusive functional and genetic evidence.

Literature cited by the submitters: PubMed 33471991 (cited by Color Diagnostics, LLC DBA Color Health and Department of Pathology and Laboratory Medicine, Sinai Health System); PubMed 25085752 (cited by Myriad Genetics, Inc.).

NM_024675.4(PALB2):c.769G>A (p.Gly257Ser)

Gene: PALB2 (partner and localizer of BRCA2; minus strand). Cytogenetic location: 16p12.2.
Variant type: single nucleotide variant.
Coding change: c.769G>A on transcript NM_024675.4 (MANE Select); coding-DNA position 769, G replaced by A.
Protein change: p.Gly257Ser; replaces glycine 257 with serine.
Molecular consequence: missense variant.
Genome position (GRCh38, 1-based): chr16:23,635,777, C>T on the plus strand (G>A on the coding strand, the complement: PALB2 is on the minus strand). VCF-style: chr16-23635777-C-T. GRCh37 (hg19) VCF-style: chr16-23647098-C-T.
Other names: short protein forms G257S.
Identifiers: ClinVar variation 136139 (VCV000136139.30), dbSNP rs587780824, ClinGen allele CA194606.
Genomic context (GRCh38, chr16:23,635,777, plus strand): 5'-CGTGAGTAGTAAGTTCACTGCTACCTTTAGGAGGAATGTGTTCAAGGTGCTGACTACTAC[C>T]GCTATCTGATAGAGTCTGTAAAGGAACTGTAGTCGCCCTGGTGAAATTAGGTCTTCTTAG-3'
Protein context (NP_078951.2, residues 247-267): TVPLQTLSDS[Gly257Ser]SSQHLEHIPP